The following is an entry in ClinVar:

ClinVar aggregate classification (germline): Pathogenic. Review status: criteria provided, multiple submitters, no conflicts (2 of 4 stars). 2 submissions from 2 submitters: Pathogenic (2). Last evaluated 2024-08-29.
ClinVar aggregate classification (oncogenicity): Likely oncogenic (1 of 4 stars; one submission).

Conditions:
Warts, hypogammaglobulinemia, infections, and myelokathexis. Also called: WHIM syndrome. Identifiers: MedGen C0472817, MONDO:0023880.
Neoplasm. Also called: Neoplasms; Neoplasm (disease); tumor. Identifiers: MedGen C0027651, MeSH D009369, MONDO:0005070, HP:0002664.

Submissions (3):

Center for Genomic Medicine, Rigshospitalet, Copenhagen University Hospital
Classification: Likely oncogenic for Neoplasm. Last evaluated: 2025-12-29. Review status: criteria provided, single submitter. Criteria: ClinGen/CGC/VICC Guidelines for Oncogenicity, 2022. Collection method: clinical testing. Allele origin: somatic. Affected: yes.

Labcorp Genetics (formerly Invitae), Labcorp
Classification: Pathogenic for Warts, hypogammaglobulinemia, infections, and myelokathexis. Last evaluated: 2024-08-29. Review status: criteria provided, single submitter. Criteria: Invitae Variant Classification Sherloc (09022015). Collection method: clinical testing. Allele origin: germline.
Comment: This sequence change creates a premature translational stop signal (p.Thr318Asnfs*26) in the CXCR4 gene. While this is not anticipated to result in nonsense mediated decay, it is expected to disrupt the last 35 amino acid(s) of the CXCR4 protein. This variant is not present in population databases (gnomAD no frequency). This premature translational stop signal has been observed in individual(s) with CXCR4-related conditions and/or warts hypogammaglobulinemia infections and myelokathexis (WHIM) syndrome (PMID: 35947323; internal data). In at least one individual the variant was observed to be de novo. ClinVar contains an entry for this variant (Variation ID: 988527). Algorithms developed to predict the effect of variants on gene product structure and function are not available or were not evaluated for this variant. Experimental studies have shown that this premature translational stop signal affects CXCR4 function (PMID: 35947323). This variant is located in a region of the CXCR4 protein where a significant number of CXCR4 nonsense and frameshift mutations have been reported in association with autosomal dominant WHIM syndrome (PMID: 31313072, 32784523, 35947323, 36089616). For these reasons, this variant has been classified as Pathogenic.

Clinical Genetics and Genomics, Karolinska University Hospital
Classification: Pathogenic. Last evaluated: 2016-03-18. Review status: criteria provided, single submitter. Criteria: ACMG Guidelines, 2015. Collection method: clinical testing. Allele origin: germline. Affected: yes. Observed: 1 variant allele.

Literature cited by the submitters: PubMed 25371371 (cited by Center for Genomic Medicine, Rigshospitalet, Copenhagen University Hospital); PubMed 35947323 (cited by Labcorp Genetics (formerly Invitae), Labcorp); PubMed 31313072 (cited by Labcorp Genetics (formerly Invitae), Labcorp); PubMed 32784523 (cited by Labcorp Genetics (formerly Invitae), Labcorp); PubMed 36089616 (cited by Labcorp Genetics (formerly Invitae), Labcorp).

NM_003467.3(CXCR4):c.952dup (p.Thr318fs)

Gene: CXCR4 (C-X-C motif chemokine receptor 4; minus strand). Cytogenetic location: 2q22.1.
Variant type: Duplication.
Coding change: c.952dup on transcript NM_003467.3 (MANE Select); coding-DNA position 952, one base duplicated (A; older notation c.952dupA).
Protein change: p.Thr318fs; shifts the reading frame from threonine 318.
Molecular consequence: frameshift variant.
Genome position (GRCh38, 1-based): chr2:136,114,976, T duplicated on the plus strand (A on the coding strand, the reverse complement: CXCR4 is on the minus strand). VCF-style (leftmost placement, unchanged base first): chr2-136114975-G-GT. GRCh37 (hg19) VCF-style: chr2-136872545-G-GT.
Other names: c.964dup, p.Thr322fs (NM_001008540.2); c.1165dup, p.Thr389fs (NM_001348056.2); c.1051dup, p.Thr351fs (NM_001348059.2); c.907dup, p.Thr303fs (NM_001348060.2); c.952dupA (NM_003467.3); short protein forms T303fs, T318fs, T322fs, T351fs, T389fs.
Identifiers: ClinVar variation 988527 (VCV000988527.4), dbSNP rs1684842255, ClinGen allele CA645539227.